The following is an entry in ClinVar:

NM_000257.4(MYH7):c.3148C>A (p.Arg1050=)

Gene: MYH7 (myosin heavy chain 7; minus strand). Cytogenetic location: 14q11.2.
Variant type: single nucleotide variant.
Coding change: c.3148C>A on transcript NM_000257.4 (MANE Select); coding-DNA position 3148, C replaced by A.
Protein change: p.Arg1050=; no amino-acid change (arginine 1050 retained).
Molecular consequence: synonymous variant.
Genome position (GRCh38, 1-based): chr14:23,422,277, G>T on the plus strand (C>A on the coding strand, the complement: MYH7 is on the minus strand). VCF-style: chr14-23422277-G-T. GRCh37 (hg19) VCF-style: chr14-23891486-G-T.
Other names: c.3148C>A (LRG_384t1).
Identifiers: ClinVar variation 312902 (VCV000312902.9), dbSNP rs730880767, ClinGen allele CA035886.

ClinVar aggregate classification (germline): Conflicting classifications of pathogenicity. Review status: criteria provided, conflicting classifications (1 of 4 stars). 5 submissions from 3 submitters: Uncertain significance (2); Benign (1); Likely benign (2). Last evaluated 2026-03-17.

Conditions:
Myosin storage myopathy (CMYO7A). Also called: Scapuloperoneal myopathy, MYH7-related; MYOPATHY WITH LYSIS OF TYPE I MYOFIBRILS; SCAPULOPERONEAL MUSCULAR DYSTROPHY; SCAPULOPERONEAL SYNDROME, MYOPATHIC TYPE; MYOPATHY, HYALINE BODY, AUTOSOMAL DOMINANT; MYH7-related late-onset scapuloperoneal muscular dystrophy. Identifiers: Orphanet 437572, Orphanet 636965, MedGen C1842160, MONDO:0008409, OMIM 608358.
Cardiomyopathy (CMYO). Also called: Cardiomyopathies. Identifiers: Orphanet 167848, MedGen C0878544, MONDO:0004994, HP:0001638. Inheritance: Various modes of inheritance.
Hypertrophic cardiomyopathy 1 (CMH1). Also called: Familial hypertrophic cardiomyopathy 1; MYH7-Related Familial Hypertrophic Cardiomyopathy. Identifiers: MedGen C3495498, MONDO:0008647, OMIM 192600.
MYH7-related skeletal myopathy. Also called: Myopathy, distal, 1; Laing distal myopathy; MYOPATHY, DISTAL, EARLY-ONSET, AUTOSOMAL DOMINANT; MYOPATHY, LATE DISTAL HEREDITARY; Laing early-onset distal myopathy. Identifiers: Orphanet 59135, MedGen C4552004, MONDO:0008050, OMIM 160500.

Allele frequency attached by ClinVar (database versions not stated): TOPMed 0.00001; ExAC 0.00002.
gnomAD v4.1: 2 of 1,614,096 alleles (0.00012%); highest among the groups gnomAD compares: East Asian, 0.0045%; no homozygotes.

Submissions (5):

Women's Health and Genetics/Laboratory Corporation of America, LabCorp
Classification: Likely benign. Last evaluated: 2026-03-17. Review status: criteria provided, single submitter. Criteria: LabCorp Variant Classification Summary - May 2015. Collection method: clinical testing. Allele origin: germline.

Color Diagnostics, LLC DBA Color Health
Classification: Likely benign for Cardiomyopathy. Last evaluated: 2024-04-15. Review status: criteria provided, single submitter. Criteria: ACMG Guidelines, 2015. Collection method: clinical testing. Allele origin: germline.

Illumina Laboratory Services, Illumina
Classification: Uncertain significance for Myosin storage myopathy. Last evaluated: 2018-01-13. Review status: criteria provided, single submitter. Criteria: ICSL Variant Classification Criteria 13 December 2019. Collection method: clinical testing. Allele origin: germline.

Illumina Laboratory Services, Illumina
Classification: Uncertain significance for Hypertrophic cardiomyopathy 1. Last evaluated: 2018-01-13. Review status: criteria provided, single submitter. Criteria: ICSL Variant Classification Criteria 13 December 2019. Collection method: clinical testing. Allele origin: germline.

Illumina Laboratory Services, Illumina
Classification: Benign for MYH7-related skeletal myopathy. Last evaluated: 2018-01-13. Review status: criteria provided, single submitter. Criteria: ICSL Variant Classification Criteria 13 December 2019. Collection method: clinical testing. Allele origin: germline.
Comment: This variant was observed in the ICSL laboratory as part of a predisposition screen in an ostensibly healthy population. It had not been previously curated by ICSL or reported in the Human Gene Mutation Database (HGMD: prior to June 1st, 2018), and was therefore a candidate for classification through an automated scoring system. Utilizing variant allele frequency, disease prevalence and penetrance estimates, and inheritance mode, an automated score was calculated to assess if this variant is too frequent to cause the disease. Based on the score and internal cut-off values, a variant classified as benign is not then subjected to further curation. The score for this variant resulted in a classification of benign for this disease.